The following is an entry in ClinVar:

ClinVar aggregate classification (germline): Uncertain significance (1 of 4 stars; one submission).

Conditions:
Duchenne muscular dystrophy (DMD). Also called: MUSCULAR DYSTROPHY, PSEUDOHYPERTROPHIC PROGRESSIVE, DUCHENNE TYPE; Duchenne Muscular Dystrophy (DMD). Identifiers: Orphanet 98896, MedGen C0013264, MONDO:0010679, OMIM 310200.

gnomAD v4.1: 6 of 1,211,346 alleles (0.0005%); highest among the groups gnomAD compares: South Asian, 0.0018%; no homozygotes.

Submission:

Labcorp Genetics (formerly Invitae), Labcorp
Classification: Uncertain significance for Duchenne muscular dystrophy. Last evaluated: 2026-01-26. Review status: criteria provided, single submitter. Criteria: Invitae Variant Classification Sherloc (09022015). Collection method: clinical testing. Allele origin: germline.
Comment: This sequence change replaces arginine, which is basic and polar, with cysteine, which is neutral and slightly polar, at codon 343 of the DMD protein (p.Arg343Cys). This variant is present in population databases (rs778460564, gnomAD 0.005%). This variant has not been reported in the literature in individuals affected with DMD-related conditions. ClinVar contains an entry for this variant (Variation ID: 3619673). Invitae Evidence Modeling of protein sequence and biophysical properties (such as structural, functional, and spatial information, amino acid conservation, physicochemical variation, residue mobility, and thermodynamic stability) indicates that this missense variant is not expected to disrupt DMD protein function with a negative predictive value of 95%. In summary, the available evidence is currently insufficient to determine the role of this variant in disease. Therefore, it has been classified as a Variant of Uncertain Significance.

NM_004006.3(DMD):c.1027C>T (p.Arg343Cys)

Gene: DMD (dystrophin; minus strand). Cytogenetic location: Xp21.1.
Variant type: single nucleotide variant.
Coding change: c.1027C>T on transcript NM_004006.3 (MANE Select); coding-DNA position 1027, C replaced by T.
Protein change: p.Arg343Cys; replaces arginine 343 with cysteine.
Molecular consequence: missense variant.
Genome position (GRCh38, 1-based): chrX:32,645,086, G>A on the plus strand (C>T on the coding strand, the complement: DMD is on the minus strand). VCF-style: chrX-32645086-G-A. GRCh37 (hg19) VCF-style: chrX-32663203-G-A.
Other names: c.1003C>T, p.Arg335Cys (NM_000109.4); c.1015C>T, p.Arg339Cys (NM_004009.3); c.658C>T, p.Arg220Cys (NM_004010.3); short protein forms R220C, R335C, R339C, R343C.
Identifiers: ClinVar variation 3619673 (VCV003619673.2).